The following is an entry in ClinVar:

ClinVar aggregate classification (germline): Uncertain significance (1 of 4 stars; one submission).

Conditions:
Brachyolmia-amelogenesis imperfecta syndrome. Also called: PLATYSPONDYLY WITH AMELOGENESIS IMPERFECTA; Tooth agenesis, selective, 6; Dental anomalies and short stature. Identifiers: Orphanet 2899, MedGen C1832594, MONDO:0011018, OMIM 601216. Disease mechanism: loss of function.

gnomAD v4.1: 3 of 1,614,248 alleles (0.00019%); highest among the groups gnomAD compares: Non-Finnish European, 0.00017%; no homozygotes.

Submission:

Labcorp Genetics (formerly Invitae), Labcorp
Classification: Uncertain significance for Brachyolmia-amelogenesis imperfecta syndrome. Last evaluated: 2025-01-06. Review status: criteria provided, single submitter. Criteria: Invitae Variant Classification Sherloc (09022015). Collection method: clinical testing. Allele origin: germline.
Comment: This sequence change replaces proline, which is neutral and non-polar, with alanine, which is neutral and non-polar, at codon 383 of the LTBP3 protein (p.Pro383Ala). This variant is not present in population databases (gnomAD no frequency). This variant has not been reported in the literature in individuals affected with LTBP3-related conditions. An algorithm developed to predict the effect of missense changes on protein structure and function (PolyPhen-2) suggests that this variant is likely to be tolerated. In summary, the available evidence is currently insufficient to determine the role of this variant in disease. Therefore, it has been classified as a Variant of Uncertain Significance.

NM_001130144.3(LTBP3):c.1147C>G (p.Pro383Ala)

Gene: LTBP3 (latent transforming growth factor beta binding protein 3; minus strand). Cytogenetic location: 11q13.1.
Variant type: single nucleotide variant.
Coding change: c.1147C>G on transcript NM_001130144.3 (MANE Select); coding-DNA position 1147, C replaced by G.
Protein change: p.Pro383Ala; replaces proline 383 with alanine.
Molecular consequence: missense variant.
Genome position (GRCh38, 1-based): chr11:65,552,899, G>C on the plus strand (C>G on the coding strand, the complement: LTBP3 is on the minus strand). VCF-style: chr11-65552899-G-C. GRCh37 (hg19) VCF-style: chr11-65320370-G-C.
Other names: c.796C>G, p.Pro266Ala (NM_001164266.1); c.1147C>G, p.Pro383Ala (NM_021070.4); short protein forms P266A, P383A.
Identifiers: ClinVar variation 3625605 (VCV003625605.2).